The following is an entry in ClinVar:

ClinVar aggregate classification (germline): Uncertain significance (1 of 4 stars; one submission).

Submission:

Labcorp Genetics (formerly Invitae), Labcorp
Classification: Uncertain significance. Last evaluated: 2024-04-10. Review status: criteria provided, single submitter. Criteria: Invitae Variant Classification Sherloc (09022015). Collection method: clinical testing. Allele origin: germline.
Comment: This sequence change replaces arginine, which is basic and polar, with glycine, which is neutral and non-polar, at codon 1436 of the POLE protein (p.Arg1436Gly). This variant is not present in population databases (gnomAD no frequency). This variant has not been reported in the literature in individuals affected with POLE-related conditions. ClinVar contains an entry for this variant (Variation ID: 577992). Advanced modeling of protein sequence and biophysical properties (such as structural, functional, and spatial information, amino acid conservation, physicochemical variation, residue mobility, and thermodynamic stability) performed at Invitae indicates that this missense variant is expected to disrupt POLE protein function with a positive predictive value of 80%. In summary, the available evidence is currently insufficient to determine the role of this variant in disease. Therefore, it has been classified as a Variant of Uncertain Significance.

NM_006231.4(POLE):c.4306C>G (p.Arg1436Gly)

Gene: POLE (DNA polymerase epsilon, catalytic subunit; minus strand). Cytogenetic location: 12q24.33.
Variant type: single nucleotide variant.
Coding change: c.4306C>G on transcript NM_006231.4 (MANE Select); coding-DNA position 4306, C replaced by G.
Protein change: p.Arg1436Gly; replaces arginine 1436 with glycine.
Molecular consequence: missense variant.
Genome position (GRCh38, 1-based): chr12:132,643,545, G>C on the plus strand (C>G on the coding strand, the complement: POLE is on the minus strand). VCF-style: chr12-132643545-G-C. GRCh37 (hg19) VCF-style: chr12-133220131-G-C.
Other names: short protein forms R1436G.
Identifiers: ClinVar variation 577992 (VCV000577992.8), dbSNP rs764904030, ClinGen allele CA387381558.